The following is an entry in ClinVar:

NM_002528.7(NTHL1):c.709dup (p.Ile237fs)

Gene: NTHL1 (nth like DNA glycosylase 1; minus strand). Cytogenetic location: 16p13.3.
Variant type: Duplication.
Coding change: c.709dup on transcript NM_002528.7 (MANE Select); coding-DNA position 709, one base duplicated (A; older notation c.709dupA).
Protein change: p.Ile237fs; shifts the reading frame from isoleucine 237.
Molecular consequence: frameshift variant.
Genome position (GRCh38, 1-based): chr16:2,040,215, T duplicated on the plus strand (A on the coding strand, the reverse complement: NTHL1 is on the minus strand); the first of 2 consecutive T bases (chr16:2,040,215-2,040,216); duplicating either gives the same sequence. VCF-style (leftmost placement, unchanged base first): chr16-2040214-A-AT. GRCh37 (hg19) VCF-style: chr16-2090215-A-AT.
Other names: c.733dup (NM_002528.5, NM_002528.6); c.733dupA (NM_002528.5); c.538dup, p.Ile180fs (NM_001318193.2); c.379dup, p.Ile127fs (NM_001318194.2); short protein forms I237fs, I127fs, I180fs.
Identifiers: ClinVar variation 1515221 (VCV001515221.15), dbSNP rs2150938411, ClinGen allele CA2573151779.

ClinVar aggregate classification (germline): Pathogenic/Likely pathogenic. Review status: criteria provided, multiple submitters, no conflicts (2 of 4 stars). 6 submissions from 6 submitters: Pathogenic (4); Likely pathogenic (2). Last evaluated 2025-11-04.

Conditions:
Hereditary cancer-predisposing syndrome. Also called: Neoplastic Syndromes, Hereditary; Hereditary Cancer Syndrome; Hereditary neoplastic syndrome; Tumor predisposition. Identifiers: Orphanet 140162, MedGen C0027672, MeSH D009386, MONDO:0015356.
Familial adenomatous polyposis 3. Also called: NTHL1 Tumor Syndrome; NTHL1-related attenuated familial adenomatous polyposis; NTHL1-associated polyposis; NTHL1-Related Adenomatous Polyposis and Colorectal Cancer. Identifiers: Orphanet 220460, Orphanet 454840, MedGen C4225157, MONDO:0014630, OMIM 616415.

Submissions (6):

Ambry Genetics
Classification: Pathogenic for Hereditary cancer-predisposing syndrome. Last evaluated: 2025-11-04. Review status: criteria provided, single submitter. Criteria: Ambry Variant Classification Scheme 2023. Collection method: clinical testing. Allele origin: germline.
Comment: The c.733dupA pathogenic mutation, located in coding exon 5 of the NTHL1 gene, results from a duplication of A at nucleotide position 733, causing a translational frameshift with a predicted alternate stop codon (p.I245Nfs*28). This alteration occurs at the 3' terminus of the gene, is not expected to trigger nonsense-mediated mRNA decay, and impacts the last 18% of the protein. However, premature stop codons are typically deleterious in nature and a significant portion of the protein is affected (Ambry internal data). This variant has been identified in the homozygous state and/or in conjunction with other NTHL1 variant(s) in individual(s) with features consistent with NTHL1-related adenomatous polyposis (Grolleman JE et al. Cancer Cell, 2019 02;35:256-266.e5). This variant is considered to be rare based on population cohorts in the Genome Aggregation Database (gnomAD). Based on the supporting evidence, this variant is interpreted as a disease-causing mutation.

Labcorp Genetics (formerly Invitae), Labcorp
Classification: Pathogenic. Last evaluated: 2025-06-08. Review status: criteria provided, single submitter. Criteria: Invitae Variant Classification Sherloc (09022015). Collection method: clinical testing. Allele origin: germline.
Comment: This sequence change creates a premature translational stop signal (p.Ile245Asnfs*28) in the NTHL1 gene. While this is not anticipated to result in nonsense mediated decay, it is expected to disrupt the last 68 amino acid(s) of the NTHL1 protein. This variant is not present in population databases (gnomAD no frequency). This premature translational stop signal has been observed in individual(s) with clinical features of NTHL1-related conditions (PMID: 30753826). ClinVar contains an entry for this variant (Variation ID: 1515221). This variant disrupts a region of the NTHL1 protein in which other variant(s) (p.Gln287*) have been determined to be pathogenic (PMID: 27329137, 28912133, 30753826; internal data). This suggests that this is a clinically significant region of the protein, and that variants that disrupt it are likely to be disease-causing. For these reasons, this variant has been classified as Pathogenic.

Baylor Genetics
Classification: Pathogenic for Familial adenomatous polyposis 3. Last evaluated: 2023-12-28. Review status: criteria provided, single submitter. Criteria: ACMG Guidelines, 2015. Collection method: clinical testing. Allele origin: unknown.

Myriad Genetics, Inc.
Classification: Pathogenic for Familial adenomatous polyposis 3. Last evaluated: 2023-09-05. Review status: criteria provided, single submitter. Criteria: Myriad Autosomal Dominant, Autosomal Recessive and X-Linked Classification Criteria (2023). Collection method: clinical testing. Allele origin: unknown.
Comment: This variant is considered pathogenic. This variant creates a frameshift predicted to result in premature protein truncation.

Quest Diagnostics Nichols Institute San Juan Capistrano
Classification: Likely pathogenic. Last evaluated: 2023-07-26. Review status: criteria provided, single submitter. Criteria: Quest Diagnostics criteria. Collection method: clinical testing. Allele origin: unknown.
Comment: This frameshift variant is predicted to create a premature stop codon near the last exon of NTHL1 gene, thus it is not expected to undergo nonsense mediated decay. However, this variant disrupts the evolutionary conserved Endo III domain of NTHL1, which contains functionally important DNA binding domains and DNA glycosylase active sites (PMIDs: 33087284 (2020), 9705289 (1998), 9045706 (1997)). This variant has been reported in an individual with NTHL1 tumor syndrome (PMID: 30753826 (2019)). This variant has not been reported in large, multi-ethnic general populations (Genome Aggregation Database). Based on the available information, this variant is classified as likely pathogenic.

GeneDx
Classification: Likely pathogenic. Last evaluated: 2022-09-15. Review status: criteria provided, single submitter. Criteria: GeneDx Variant Classification Process June 2021. Collection method: clinical testing. Allele origin: germline. Affected: yes.
Comment: Frameshift variant predicted to result in protein truncation, as the last 68 amino acids are replaced with 27 different amino acids, and other loss-of-function variants have been reported downstream in HGMD; Not observed at significant frequency in large population cohorts (gnomAD); This variant is associated with the following publications: (PMID: 30753826)

Literature cited by the submitters: PubMed 30753826 (cited by 3 submitters); PubMed 27329137 (cited by Labcorp Genetics (formerly Invitae), Labcorp); PubMed 28912133 (cited by Labcorp Genetics (formerly Invitae), Labcorp).